The following is an entry in ClinVar:

NM_006393.3(NEBL):c.2266C>G (p.Gln756Glu)

Gene: NEBL (nebulette; minus strand). Cytogenetic location: 10p12.31.
Variant type: single nucleotide variant.
Coding change: c.2266C>G on transcript NM_006393.3 (MANE Select); coding-DNA position 2266, C replaced by G.
Protein change: p.Gln756Glu; replaces glutamine 756 with glutamic acid.
Molecular consequence: missense variant. On other transcripts: intron variant (9).
Genome position (GRCh38, 1-based): chr10:20,814,019, G>C on the plus strand (C>G on the coding strand, the complement: NEBL is on the minus strand). VCF-style: chr10-20814019-G-C. GRCh37 (hg19) VCF-style: chr10-21102948-G-C.
Other names: c.250-1079C>G (NM_001377326.1, NM_001377327.1, NM_001377328.1); c.358-1079C>G (NM_213569.2, NM_001173484.2, NM_001377322.1); c.301-1079C>G (NM_001377324.1); c.292-1079C>G (NM_001377325.1); c.310-1079C>G (NM_001377323.1); short protein forms Q756E.
Identifiers: ClinVar variation 5025470 (VCV005025470.1).
Genomic context (GRCh38, chr10:20,814,019, plus strand): 5'-CTTCTTTAACATGTCTCATAGCAGGTGTATCTAAAATCAGACTTGGTCTACCTTTCATCT[G>C]TTTATGGTCCTGGGTATATTTTACCTGCAAAGTAAATAGTAGGCATAAGACAATGATAAG-3'
Protein context (NP_006384.1, residues 746-766): SSVKYTQDHK[Gln756Glu]MKGRPSLILD

ClinVar aggregate classification (germline): Uncertain significance (1 of 4 stars; one submission).

Submission:

Ambry Genetics
Classification: Uncertain significance. Last evaluated: 2026-09-04. Review status: criteria provided, single submitter. Criteria: Ambry Variant Classification Scheme 2023. Collection method: clinical testing. Allele origin: germline.
Comment: The p.Q756E variant (also known as c.2266C>G), located in coding exon 23 of the NEBL gene, results from a C to G substitution at nucleotide position 2266. The glutamine at codon 756 is replaced by glutamic acid, an amino acid with highly similar properties. This amino acid position is conserved. In addition, this alteration is predicted to be tolerated by in silico analysis. Based on the available evidence, the clinical significance of this variant remains unclear.